The following is an entry in ClinVar:

ClinVar aggregate classification (germline): Uncertain significance (1 of 4 stars; one submission).

Conditions:
Epidermolysis bullosa simplex 3, localized or generalized intermediate, with BP230 deficiency (EBS3). Also called: Epidermolysis bullosa simplex due to BP230 deficiency; Epidermolysis bullosa simplex, autosomal recessive 2. Identifiers: Orphanet 412181, MedGen C3809470, MONDO:0014180, OMIM 615425.
Hereditary sensory and autonomic neuropathy type 6. Also called: HSAN VI; Neuropathy, hereditary sensory and autonomic, type VI. Identifiers: Orphanet 314381, MedGen C3539003, MONDO:0013839, OMIM 614653.

Submission:

Labcorp Genetics (formerly Invitae), Labcorp
Classification: Uncertain significance for Epidermolysis bullosa simplex 3, localized or generalized intermediate, with BP230 deficiency; Hereditary sensory and autonomic neuropathy type 6. Last evaluated: 2024-06-24. Review status: criteria provided, single submitter. Criteria: Invitae Variant Classification Sherloc (09022015). Collection method: clinical testing. Allele origin: germline.
Comment: This sequence change replaces glutamine, which is neutral and polar, with histidine, which is basic and polar, at codon 1293 of the DST protein (p.Gln1293His). This variant is not present in population databases (gnomAD no frequency). This variant has not been reported in the literature in individuals affected with DST-related conditions. An algorithm developed to predict the effect of missense changes on protein structure and function (PolyPhen-2) suggests that this variant is likely to be disruptive. In summary, the available evidence is currently insufficient to determine the role of this variant in disease. Therefore, it has been classified as a Variant of Uncertain Significance.

NM_001723.7(DST):c.3879G>T (p.Gln1293His)

Gene: DST (dystonin; minus strand). Cytogenetic location: 6p12.1.
Variant type: single nucleotide variant.
Coding change: c.3879G>T on transcript NM_001723.7 (MANE Plus Clinical); coding-DNA position 3879, G replaced by T.
Protein change: p.Gln1293His; replaces glutamine 1293 with histidine.
Molecular consequence: missense variant. On other transcripts: intron variant (10).
Genome position (GRCh38, 1-based): chr6:56,620,155, C>A on the plus strand (G>T on the coding strand, the complement: DST is on the minus strand). VCF-style: chr6-56620155-C-A. GRCh37 (hg19) VCF-style: chr6-56484953-C-A.
Other names: c.4830+4375G>T (NM_001144769.5); c.4929+4375G>T (NM_001374722.1, NM_001374736.1); c.4956+4375G>T (NM_001374734.1); c.4416+4375G>T (NM_001144770.2); c.4296+4375G>T (NM_001374730.1, NM_001386100.1, NM_183380.4 and 1 more transcripts); c.3318+4375G>T (NM_015548.5); short protein forms Q1293H.
Identifiers: ClinVar variation 3755000 (VCV003755000.2).